The following is an entry in ClinVar:

NM_001018113.3(FANCB):c.30C>G (p.Asn10Lys)

Gene: FANCB (FA complementation group B; minus strand). Cytogenetic location: Xp22.2.
Variant type: single nucleotide variant.
Coding change: c.30C>G on transcript NM_001018113.3 (MANE Select); coding-DNA position 30, C replaced by G.
Protein change: p.Asn10Lys; replaces asparagine 10 with lysine.
Molecular consequence: missense variant. On other transcripts: non-coding transcript variant (1).
Genome position (GRCh38, 1-based): chrX:14,865,481, G>C on the plus strand (C>G on the coding strand, the complement: FANCB is on the minus strand). VCF-style: chrX-14865481-G-C. GRCh37 (hg19) VCF-style: chrX-14883603-G-C.
Other names: c.30C>G, p.Asn10Lys (NM_001324162.2, NM_152633.4); short protein forms N10K.
Identifiers: ClinVar variation 853494 (VCV000853494.9), dbSNP rs750078094, ClinGen allele CA10353240.

ClinVar aggregate classification (germline): Uncertain significance (1 of 4 stars; one submission).

Conditions:
Fanconi anemia (FA). Also called: Fanconi's anemia. Identifiers: Orphanet 84, MedGen C0015625, MeSH D005199, MONDO:0019391.

gnomAD v4.1: 1 of 1,203,658 alleles (0.000083%); highest among the groups gnomAD compares: East Asian, 0.003%; no homozygotes.

Submission:

Labcorp Genetics (formerly Invitae), Labcorp
Classification: Uncertain significance for Fanconi anemia. Last evaluated: 2025-06-18. Review status: criteria provided, single submitter. Criteria: Invitae Variant Classification Sherloc (09022015). Collection method: clinical testing. Allele origin: germline.
Comment: This sequence change replaces asparagine, which is neutral and polar, with lysine, which is basic and polar, at codon 10 of the FANCB protein (p.Asn10Lys). This variant is present in population databases (rs750078094, gnomAD 0.008%). This variant has not been reported in the literature in individuals affected with FANCB-related conditions. ClinVar contains an entry for this variant (Variation ID: 853494). Invitae Evidence Modeling of protein sequence and biophysical properties (such as structural, functional, and spatial information, amino acid conservation, physicochemical variation, residue mobility, and thermodynamic stability) indicates that this missense variant is not expected to disrupt FANCB protein function with a negative predictive value of 80%. In summary, the available evidence is currently insufficient to determine the role of this variant in disease. Therefore, it has been classified as a Variant of Uncertain Significance.